The following is an entry in ClinVar:

NM_001372044.2(SHANK3):c.1191-6C>T

Gene: SHANK3 (SH3 and multiple ankyrin repeat domains 3; plus strand). Cytogenetic location: 22q13.33.
Variant type: single nucleotide variant.
Coding change: c.1191-6C>T on transcript NM_001372044.2 (MANE Select); 6 bases into the intron before coding-DNA position 1191, C replaced by T.
Molecular consequence: intron variant.
Genome position (GRCh38, 1-based): chr22:50,684,579, C>T. VCF-style: chr22-50684579-C-T. GRCh37 (hg19) VCF-style: chr22-51123007-C-T.
Other names: c.964-6C>T (NM_033517.1).
Identifiers: ClinVar variation 3036497 (VCV003036497.2), dbSNP rs772228027, ClinGen allele CA10325438.

ClinVar aggregate classification (germline): Likely benign (0 of 4 stars; one submission).

Conditions:
SHANK3-related disorder. Also called: SHANK3-related condition.

Allele frequency attached by ClinVar (database versions not stated): gnomAD exomes below 0.00001; ExAC 0.00001.

Submission:

PreventionGenetics, part of Exact Sciences
Classification: Likely benign for SHANK3-related condition. Last evaluated: 2020-01-02. Review status: no assertion criteria provided. Collection method: clinical testing. Allele origin: germline.
Comment: This variant is classified as likely benign based on ACMG/AMP sequence variant interpretation guidelines (Richards et al. 2015 PMID: 25741868, with internal and published modifications).